The following is an entry in ClinVar:

ClinVar aggregate classification (germline): Uncertain significance. Review status: criteria provided, multiple submitters, no conflicts (2 of 4 stars). 2 submissions from 2 submitters: Uncertain significance (2). Last evaluated 2025-10-15.

Conditions:
Retinal dystrophy. Also called: Inherited retinal dystrophy. Identifiers: Orphanet 71862, MedGen C0854723, MeSH D058499, MONDO:0019118, HP:0000556.
CRB1-related disorder. Also called: CRB1-related condition; CRB1-related disorders.

Allele frequency attached by ClinVar (database versions not stated): TOPMed below 0.00001; gnomAD 0.00002; 1000 Genomes Project 30x 0.00016.
gnomAD v4.1: 15 of 1,533,194 alleles (0.00098%); highest among the groups gnomAD compares: South Asian, 0.011%; no homozygotes.

Submissions (2):

PreventionGenetics, part of Exact Sciences
Classification: Uncertain significance for CRB1-related condition. Last evaluated: 2025-10-15. Review status: criteria provided, single submitter. Criteria: ACMG Guidelines, 2015. Collection method: clinical testing. Allele origin: germline.
Comment: The CRB1 c.2474A>G variant is predicted to result in the amino acid substitution p.Gln825Arg. To our knowledge, this variant has not been reported in the literature. This variant is present in 0.038% of alleles in individuals of East Asian descent in gnomAD. At this time, the clinical significance of this variant is uncertain due to the absence of conclusive functional and genetic evidence.

Dept Of Ophthalmology, Nagoya University
Classification: Uncertain significance for Retinal dystrophy. Last evaluated: 2023-10-01. Review status: criteria provided, single submitter. Criteria: Submitter's publication. Collection method: research. Allele origin: germline. Affected: yes.

NM_201253.3(CRB1):c.2677-471A>G

Gene: CRB1 (crumbs cell polarity complex component 1; plus strand). Cytogenetic location: 1q31.3.
Variant type: single nucleotide variant.
Coding change: c.2677-471A>G on transcript NM_201253.3 (MANE Select); 471 bases into the intron before coding-DNA position 2677, A replaced by G.
Molecular consequence: intron variant. On other transcripts: missense variant (1).
Genome position (GRCh38, 1-based): chr1:197,428,978, A>G. VCF-style: chr1-197428978-A-G. GRCh37 (hg19) VCF-style: chr1-197398108-A-G.
Other names: c.2474A>G (NM_001257965.1); c.2474A>G, p.Gln825Arg (NM_001257965.2); c.2129-6622A>G (NM_001257966.2); c.2341-471A>G (NM_001193640.2); short protein forms Q825R.
Identifiers: ClinVar variation 3028443 (VCV003028443.2), dbSNP rs940562396, ClinGen allele CA35901881.